The following is an entry in ClinVar:

NM_174936.4(PCSK9):c.1325C>T (p.Ala442Val)

Gene: PCSK9 (proprotein convertase subtilisin/kexin type 9; plus strand). Cytogenetic location: 1p32.3.
Variant type: single nucleotide variant.
Coding change: c.1325C>T on transcript NM_174936.4 (MANE Select); coding-DNA position 1325, C replaced by T.
Protein change: p.Ala442Val; replaces alanine 442 with valine.
Molecular consequence: missense variant.
Genome position (GRCh38, 1-based): chr1:55,058,180, C>T. VCF-style: chr1-55058180-C-T. GRCh37 (hg19) VCF-style: chr1-55523853-C-T.
Other names: c.1448C>T, p.Ala483Val (NM_001407240.1); c.1325C>T, p.Ala442Val (NM_001407241.1); c.1328C>T, p.Ala443Val (NM_001407242.1); c.1268C>T, p.Ala423Val (NM_001407243.1); c.1133C>T, p.Ala378Val (NM_001407245.1); c.950C>T, p.Ala317Val (NM_001407246.1); short protein forms A378V, A423V, A442V, A443V, A317V, A483V.
Identifiers: ClinVar variation 1769995 (VCV001769995.2), dbSNP rs1644730544, ClinGen allele CA340477562.

ClinVar aggregate classification (germline): Uncertain significance (1 of 4 stars; one submission).

Conditions:
Cardiovascular phenotype. Identifiers: MedGen CN230736.

Allele frequency attached by ClinVar (database versions not stated): TOPMed below 0.00001.

Submission:

Ambry Genetics
Classification: Uncertain significance for Cardiovascular phenotype. Last evaluated: 2021-09-07. Review status: criteria provided, single submitter. Criteria: Ambry Variant Classification Scheme 2023. Collection method: clinical testing. Allele origin: germline.
Comment: The p.A442V variant (also known as c.1325C>T), located in coding exon 8 of the PCSK9 gene, results from a C to T substitution at nucleotide position 1325. The alanine at codon 442 is replaced by valine, an amino acid with similar properties. This amino acid position is conserved. In addition, this alteration is predicted to be tolerated by in silico analysis. Since supporting evidence is limited at this time, the clinical significance of this alteration remains unclear.